The following is an entry in ClinVar:

ClinVar aggregate classification (germline): Uncertain significance (1 of 4 stars; one submission).

Conditions:
Familial thoracic aortic aneurysm and aortic dissection (TAAD). Also called: Thoracic aortic aneurysms and dissections. Identifiers: Orphanet 91387, MedGen C4707243, MONDO:0019625.

Submission:

Color Diagnostics, LLC DBA Color Health
Classification: Uncertain significance for Familial thoracic aortic aneurysm and aortic dissection. Last evaluated: 2024-03-06. Review status: criteria provided, single submitter. Criteria: ACMG Guidelines, 2015. Collection method: clinical testing. Allele origin: germline.
Comment: This missense variant replaces methionine with isoleucine at codon 624 of the FBN1 protein. Computational prediction suggests that this variant may not impact protein structure and function (internally defined REVEL score threshold <= 0.5, PMID: 27666373). To our knowledge, functional studies have not been reported for this variant. This variant has not been reported in individuals affected with cardiovascular disorders in the literature. This variant has not been identified in the general population by the Genome Aggregation Database (gnomAD). The available evidence is insufficient to determine the role of this variant in disease conclusively. Therefore, this variant is classified as a Variant of Uncertain Significance.

NM_000138.5(FBN1):c.1872G>C (p.Met624Ile)

Gene: FBN1 (fibrillin 1; minus strand). Cytogenetic location: 15q21.1.
Variant type: single nucleotide variant.
Coding change: c.1872G>C on transcript NM_000138.5 (MANE Select); coding-DNA position 1872, G replaced by C.
Protein change: p.Met624Ile; replaces methionine 624 with isoleucine.
Molecular consequence: missense variant.
Genome position (GRCh38, 1-based): chr15:48,505,113, C>G on the plus strand (G>C on the coding strand, the complement: FBN1 is on the minus strand). VCF-style: chr15-48505113-C-G. GRCh37 (hg19) VCF-style: chr15-48797310-C-G.
Other names: short protein forms M624I.
Identifiers: ClinVar variation 1171775 (VCV001171775.3), dbSNP rs2141317399, ClinGen allele CA392339134.